The following is an entry in ClinVar:

ClinVar aggregate classification (germline): Uncertain significance (1 of 4 stars; one submission).

Conditions:
Combined immunodeficiency with skin granulomas. Identifiers: Orphanet 157949, MedGen C2673536, MONDO:0009306, OMIM 233650.
Severe combined immunodeficiency, autosomal recessive, T cell-negative, B cell-negative, NK cell-positive. Also called: SCID, AR, T-cell negative, B-cell negative, NK cell-positive; Severe combined immunodeficiency due to complete RAG1/2 deficiency; SCID, T CELL-NEGATIVE, B CELL-NEGATIVE, NK CELL-POSITIVE. Identifiers: Orphanet 331206, MedGen C1832322, MONDO:0011086, OMIM 601457.

Allele frequency attached by ClinVar (database versions not stated): gnomAD 0.00001; TOPMed 0.00001.

Submission:

Labcorp Genetics (formerly Invitae), Labcorp
Classification: Uncertain significance for Combined immunodeficiency with skin granulomas; Severe combined immunodeficiency, autosomal recessive, T cell-negative, B cell-negative, NK cell-positive. Last evaluated: 2024-01-08. Review status: criteria provided, single submitter. Criteria: Invitae Variant Classification Sherloc (09022015). Collection method: clinical testing. Allele origin: germline.
Comment: This sequence change replaces valine, which is neutral and non-polar, with alanine, which is neutral and non-polar, at codon 251 of the RAG2 protein (p.Val251Ala). This variant is present in population databases (rs755587413, gnomAD 0.003%). This variant has not been reported in the literature in individuals affected with RAG2-related conditions. ClinVar contains an entry for this variant (Variation ID: 1436647). Advanced modeling of protein sequence and biophysical properties (such as structural, functional, and spatial information, amino acid conservation, physicochemical variation, residue mobility, and thermodynamic stability) performed at Invitae indicates that this missense variant is expected to disrupt RAG2 protein function with a positive predictive value of 80%. In summary, the available evidence is currently insufficient to determine the role of this variant in disease. Therefore, it has been classified as a Variant of Uncertain Significance.

NM_000536.4(RAG2):c.752T>C (p.Val251Ala)

Gene: RAG2 (recombination activating 2; minus strand). Cytogenetic location: 11p12.
Variant type: single nucleotide variant.
Coding change: c.752T>C on transcript NM_000536.4 (MANE Select); coding-DNA position 752, T replaced by C.
Protein change: p.Val251Ala; replaces valine 251 with alanine.
Molecular consequence: missense variant.
Genome position (GRCh38, 1-based): chr11:36,593,417, A>G on the plus strand (T>C on the coding strand, the complement: RAG2 is on the minus strand). VCF-style: chr11-36593417-A-G. GRCh37 (hg19) VCF-style: chr11-36614967-A-G.
Other names: c.752T>C, p.Val251Ala (NM_001243785.2, NM_001243786.2); short protein forms V251A.
Identifiers: ClinVar variation 1436647 (VCV001436647.6), dbSNP rs755587413, ClinGen allele CA5950530.
Genomic context (GRCh38, chr11:36,593,417, plus strand): 5'-AATTCATCATTGTTAGTTTGAGTCAGGATTGCACTGGAGACAGAGATTCCTCCTGGCAAG[A>G]CTGTGCAATTCACAGCTGGGCTACCCAGGGGAAGATCAACCCTTATTCTGTACAGGTTGG-3'
Protein context (NP_000527.2, residues 241-261): PLGSPAVNCT[Val251Ala]LPGGISVSSA